The following is an entry in ClinVar:

ClinVar aggregate classification (germline): Uncertain significance (1 of 4 stars; one submission).

Submission:

GeneDx
Classification: Uncertain significance. Last evaluated: 2024-05-07. Review status: criteria provided, single submitter. Criteria: GeneDx Variant Classification Process June 2021. Collection method: clinical testing. Allele origin: germline. Affected: yes.
Comment: Has not been previously published as pathogenic or benign to our knowledge; Not observed in large population cohorts (gnomAD); In silico analysis supports that this missense variant has a deleterious effect on protein structure/function

NM_001458.5(FLNC):c.7622C>A (p.Thr2541Asn)

Genes: FLNC (filamin C; plus strand), FLNC-AS1 (FLNC antisense RNA 1; minus strand). Cytogenetic location: 7q32.1.
Variant type: single nucleotide variant.
Coding change: c.7622C>A on transcript NM_001458.5 (MANE Select); coding-DNA position 7622, C replaced by A.
Protein change: p.Thr2541Asn; replaces threonine 2541 with asparagine.
Molecular consequence: missense variant.
Genome position (GRCh38, 1-based): chr7:128,857,178, C>A. VCF-style: chr7-128857178-C-A. GRCh37 (hg19) VCF-style: chr7-128497232-C-A.
Other names: c.7523C>A, p.Thr2508Asn (NM_001127487.2); short protein forms T2508N, T2541N.
Identifiers: ClinVar variation 1315258 (VCV001315258.3), dbSNP rs2128940363, ClinGen allele CA369219392.